The following is an entry in ClinVar:

ClinVar aggregate classification (germline): Uncertain significance. Review status: criteria provided, multiple submitters, no conflicts (2 of 4 stars). 6 submissions from 6 submitters: Uncertain significance (6). Last evaluated 2026-07-06.

Conditions:
Malignant hyperthermia, susceptibility to, 1 (MHS1). Also called: Anesthesia related hyperthermia; Malignant hyperpyrexia; Fulminating hyperpyrexia; Pharmacogenic myopathy; RYR1-Related Malignant Hyperthermia Susceptibility; Malignant hyperthermia suceptibility 1. Identifiers: Orphanet 423, MedGen C2930980, MONDO:0007783, OMIM 145600.
RYR1-related disorder. Also called: RYR1-related disorders; RYR1-related condition. Identifiers: MedGen CN239331.
Inborn genetic diseases. Identifiers: MedGen C0950123, MeSH D030342.

Allele frequency attached by ClinVar (database versions not stated): ExAC 0.00004; gnomAD 0.00004 and 0.00006; TOPMed 0.00008.
gnomAD v4.1: 62 of 1,560,136 alleles (0.004%); highest among the groups gnomAD compares: South Asian, 0.02%; no homozygotes.

Submissions (6):

Ambry Genetics
Classification: Uncertain significance for Inborn genetic diseases. Last evaluated: 2026-07-06. Review status: criteria provided, single submitter. Criteria: Ambry Variant Classification Scheme 2023. Collection method: clinical testing. Allele origin: germline.
Comment: The p.R1583H variant (also known as c.4748G>A), located in coding exon 33 of the RYR1 gene, results from a G to A substitution at nucleotide position 4748. The arginine at codon 1583 is replaced by histidine, an amino acid with highly similar properties. This amino acid position is conserved. In addition, the in silico prediction for this alteration is inconclusive. Based on the available evidence, the clinical significance of this variant remains unclear.

Color Diagnostics, LLC DBA Color Health
Classification: Uncertain significance for Malignant hyperthermia, susceptibility to, 1. Last evaluated: 2025-11-03. Review status: criteria provided, single submitter. Criteria: ACMG Guidelines, 2015. Collection method: clinical testing. Allele origin: germline.
Comment: This missense variant replaces arginine with histidine at codon 1583 of the RYR1 protein. Computational prediction suggests that this variant may not impact protein structure and function. To our knowledge, functional studies have not been reported for this variant. This variant has not been reported in individuals affected with RYR1-related disorders in the literature. This variant has been identified in 7/198302 chromosomes in the general population by the Genome Aggregation Database (gnomAD). The available evidence is insufficient to determine the role of this variant in disease conclusively. Therefore, this variant is classified as a Variant of Uncertain Significance.

PreventionGenetics, part of Exact Sciences
Classification: Uncertain significance for RYR1-related condition. Last evaluated: 2025-03-21. Review status: criteria provided, single submitter. Criteria: ACMG Guidelines, 2015. Collection method: clinical testing. Allele origin: germline.
Comment: The RYR1 c.4748G>A variant is predicted to result in the amino acid substitution p.Arg1583His. To our knowledge, this variant has not been reported in the literature. This variant is reported in 0.017% of alleles in individuals of South Asian descent in gnomAD. At this time, the clinical significance of this variant is uncertain due to the absence of conclusive functional and genetic evidence.

All of Us Research Program, National Institutes of Health
Classification: Uncertain significance for Malignant hyperthermia, susceptibility to, 1. Last evaluated: 2024-08-06. Review status: criteria provided, single submitter. Criteria: ACMG Guidelines, 2015. Collection method: clinical testing. Allele origin: germline. Inheritance: Autosomal dominant inheritance. Observed: 10 variant alleles, 10 heterozygotes.
Comment: This missense variant replaces arginine with histidine at codon 1583 of the RYR1 protein. Computational prediction suggests that this variant may not impact protein structure and function (internally defined REVEL score threshold <= 0.5, PMID: 27666373). To our knowledge, functional studies have not been reported for this variant. This variant has not been reported in individuals affected with RYR1-related disorders in the literature. This variant has been identified in 7/198302 chromosomes in the general population by the Genome Aggregation Database (gnomAD). The available evidence is insufficient to determine the role of this variant in disease conclusively. Therefore, this variant is classified as a Variant of Uncertain Significance.

This study involves interpretation of variants in research participants for the purpose of population health screening. Participant phenotype was not available at the time of variant classification. Additional details can be found in publication PMID: 35346344, PMCID: PMC8962531

Labcorp Genetics (formerly Invitae), Labcorp
Classification: Uncertain significance for RYR1-related disorder. Last evaluated: 2022-08-09. Review status: criteria provided, single submitter. Criteria: Invitae Variant Classification Sherloc (09022015). Collection method: clinical testing. Allele origin: germline.
Comment: This sequence change replaces arginine, which is basic and polar, with histidine, which is basic and polar, at codon 1583 of the RYR1 protein (p.Arg1583His). The frequency data for this variant in the population databases is considered unreliable, as metrics indicate poor data quality at this position in the gnomAD database. This variant has not been reported in the literature in individuals affected with RYR1-related conditions. ClinVar contains an entry for this variant (Variation ID: 650908). Advanced modeling of protein sequence and biophysical properties (such as structural, functional, and spatial information, amino acid conservation, physicochemical variation, residue mobility, and thermodynamic stability) performed at Invitae indicates that this missense variant is not expected to disrupt RYR1 protein function. In summary, the available evidence is currently insufficient to determine the role of this variant in disease. Therefore, it has been classified as a Variant of Uncertain Significance.

Revvity Omics, Revvity
Classification: Uncertain significance. Last evaluated: 2019-07-24. Review status: criteria provided, single submitter. Criteria: ACMG Guidelines, 2015. Collection method: clinical testing. Allele origin: germline.

NM_000540.3(RYR1):c.4748G>A (p.Arg1583His)

Gene: RYR1 (ryanodine receptor 1; plus strand). Cytogenetic location: 19q13.2.
Variant type: single nucleotide variant.
Coding change: c.4748G>A on transcript NM_000540.3 (MANE Select); coding-DNA position 4748, G replaced by A.
Protein change: p.Arg1583His; replaces arginine 1583 with histidine.
Molecular consequence: missense variant.
Genome position (GRCh38, 1-based): chr19:38,483,330, G>A. VCF-style: chr19-38483330-G-A. GRCh37 (hg19) VCF-style: chr19-38973970-G-A.
Other names: c.4748G>A, p.Arg1583His (NM_001042723.2); short protein forms R1583H.
Identifiers: ClinVar variation 650908 (VCV000650908.16), dbSNP rs778411704, ClinGen allele CA066421.